The following is an entry in ClinVar:

ClinVar aggregate classification (germline): Uncertain significance (1 of 4 stars; one submission).

Conditions:
ALG12-congenital disorder of glycosylation (CDG1G). Also called: Congenital disorder of glycosylation, type Ig; ALG12-CDG; CDG Ig. Identifiers: Orphanet 79324, MedGen C2931001, MONDO:0011783, OMIM 607143.

Allele frequency attached by ClinVar (database versions not stated): gnomAD exomes below 0.00001; gnomAD 0.00001; TOPMed 0.00002.
gnomAD v4.1: 2 of 1,613,536 alleles (0.00012%); highest among the groups gnomAD compares: African/African-American, 0.0027%; no homozygotes.

Submission:

Labcorp Genetics (formerly Invitae), Labcorp
Classification: Uncertain significance for ALG12-congenital disorder of glycosylation. Last evaluated: 2022-03-23. Review status: criteria provided, single submitter. Criteria: Invitae Variant Classification Sherloc (09022015). Collection method: clinical testing. Allele origin: germline.
Comment: This sequence change replaces phenylalanine, which is neutral and non-polar, with serine, which is neutral and polar, at codon 178 of the ALG12 protein (p.Phe178Ser). This variant is not present in population databases (gnomAD no frequency). This variant has not been reported in the literature in individuals affected with ALG12-related conditions. Algorithms developed to predict the effect of missense changes on protein structure and function are either unavailable or do not agree on the potential impact of this missense change (SIFT: "Deleterious"; PolyPhen-2: "Benign"; Align-GVGD: "Class C0"). In summary, the available evidence is currently insufficient to determine the role of this variant in disease. Therefore, it has been classified as a Variant of Uncertain Significance.

NM_024105.4(ALG12):c.533T>C (p.Phe178Ser)

Gene: ALG12 (ALG12 alpha-1,6-mannosyltransferase; minus strand). Cytogenetic location: 22q13.33.
Variant type: single nucleotide variant.
Coding change: c.533T>C on transcript NM_024105.4 (MANE Select); coding-DNA position 533, T replaced by C.
Protein change: p.Phe178Ser; replaces phenylalanine 178 with serine.
Molecular consequence: missense variant.
Genome position (GRCh38, 1-based): chr22:49,910,025, A>G on the plus strand (T>C on the coding strand, the complement: ALG12 is on the minus strand). VCF-style: chr22-49910025-A-G. GRCh37 (hg19) VCF-style: chr22-50303673-A-G.
Other names: short protein forms F178S.
Identifiers: ClinVar variation 2115795 (VCV002115795.1), dbSNP rs984235648, ClinGen allele CA325427937.